The following is an entry in ClinVar:

ClinVar aggregate classification (germline): Conflicting classifications of pathogenicity. Review status: criteria provided, conflicting classifications (1 of 4 stars). 2 submissions from 2 submitters: Uncertain significance (1); Likely benign (1). Last evaluated 2026-08-01.

Conditions:
Bethlem myopathy 1A. Also called: MYOPATHY, BENIGN CONGENITAL, WITH CONTRACTURES; Bethlem myopathy 1; Bethlem Muscular Dystrophy. Identifiers: Orphanet 610, MedGen CN029274, MONDO:0024530, OMIM 158810.

Allele frequency attached by ClinVar (database versions not stated): gnomAD exomes below 0.00001.
gnomAD v4.1: 1 of 1,614,232 alleles (0.000062%); highest among the groups gnomAD compares: Admixed American, 0.0017%; no homozygotes.

Submissions (2):

CeGaT Center for Human Genetics Tuebingen
Classification: Uncertain significance. Last evaluated: 2026-08-01. Review status: criteria provided, single submitter. Criteria: CeGaT Center For Human Genetics Tuebingen Variant Classification Criteria Version 2. Collection method: clinical testing. Allele origin: germline. Affected: yes. Observed: 1 variant allele.
Comment: COL6A3: PM2, PP3

Labcorp Genetics (formerly Invitae), Labcorp
Classification: Likely benign for Bethlem myopathy 1A. Last evaluated: 2023-03-17. Review status: criteria provided, single submitter. Criteria: Invitae Variant Classification Sherloc (09022015). Collection method: clinical testing. Allele origin: germline.

NM_004369.4(COL6A3):c.2047T>C (p.Phe683Leu)

Gene: COL6A3 (collagen type VI alpha 3 chain; minus strand). Cytogenetic location: 2q37.3.
Variant type: single nucleotide variant.
Coding change: c.2047T>C on transcript NM_004369.4 (MANE Select); coding-DNA position 2047, T replaced by C.
Protein change: p.Phe683Leu; replaces phenylalanine 683 with leucine.
Molecular consequence: missense variant. On other transcripts: intron variant (1).
Genome position (GRCh38, 1-based): chr2:237,379,086, A>G on the plus strand (T>C on the coding strand, the complement: COL6A3 is on the minus strand). VCF-style: chr2-237379086-A-G. GRCh37 (hg19) VCF-style: chr2-238287729-A-G.
Other names: c.826T>C, p.Phe276Leu (NM_057164.5); c.1429T>C, p.Phe477Leu (NM_057165.5, NM_057167.4); c.677-1742T>C (NM_057166.5); short protein forms F477L, F683L, F276L.
Identifiers: ClinVar variation 2846717 (VCV002846717.4), dbSNP rs1388018636, ClinGen allele CA351214811.